The following is an entry in ClinVar:

NM_033026.6(PCLO):c.11101G>A (p.Glu3701Lys)

Gene: PCLO (piccolo presynaptic cytomatrix protein; minus strand). Cytogenetic location: 7q21.11.
Variant type: single nucleotide variant.
Coding change: c.11101G>A on transcript NM_033026.6 (MANE Select); coding-DNA position 11101, G replaced by A.
Protein change: p.Glu3701Lys; replaces glutamic acid 3701 with lysine.
Molecular consequence: missense variant.
Genome position (GRCh38, 1-based): chr7:82,949,487, C>T on the plus strand (G>A on the coding strand, the complement: PCLO is on the minus strand). VCF-style: chr7-82949487-C-T. GRCh37 (hg19) VCF-style: chr7-82578803-C-T.
Other names: c.11101G>A, p.Glu3701Lys (NM_014510.3); short protein forms E3701K.
Identifiers: ClinVar variation 1362650 (VCV001362650.5), dbSNP rs369294508, ClinGen allele CA4319626.

ClinVar aggregate classification (germline): Uncertain significance (1 of 4 stars; one submission).

Allele frequency attached by ClinVar (database versions not stated): gnomAD 0.00002; gnomAD exomes 0.00003; ExAC 0.00004; ESP Exome Variant Server 0.00008; TOPMed 0.00008.
gnomAD v4.1: 28 of 1,600,180 alleles (0.0017%); highest among the groups gnomAD compares: Admixed American, 0.0051%; no homozygotes.

Submission:

Labcorp Genetics (formerly Invitae), Labcorp
Classification: Uncertain significance. Last evaluated: 2022-08-08. Review status: criteria provided, single submitter. Criteria: Invitae Variant Classification Sherloc (09022015). Collection method: clinical testing. Allele origin: germline.
Comment: This sequence change replaces glutamic acid, which is acidic and polar, with lysine, which is basic and polar, at codon 3701 of the PCLO protein (p.Glu3701Lys). This variant is present in population databases (rs369294508, gnomAD 0.01%). This variant has not been reported in the literature in individuals affected with PCLO-related conditions. ClinVar contains an entry for this variant (Variation ID: 1362650). Algorithms developed to predict the effect of missense changes on protein structure and function are either unavailable or do not agree on the potential impact of this missense change (SIFT: "Tolerated"; PolyPhen-2: "Not Available"; Align-GVGD: "Class C0"). In summary, the available evidence is currently insufficient to determine the role of this variant in disease. Therefore, it has been classified as a Variant of Uncertain Significance.